The following is an entry in ClinVar:

ClinVar aggregate classification (germline): Pathogenic/Likely pathogenic. Review status: criteria provided, multiple submitters, no conflicts (2 of 4 stars). 6 submissions from 6 submitters: Pathogenic (5); Likely pathogenic (1). Last evaluated 2026-01-02.

Conditions:
Primary ciliary dyskinesia 26. Also called: CILIARY DYSKINESIA, PRIMARY, 26, WITH OR WITHOUT SITUS INVERSUS; CILIARY DYSKINESIA, PRIMARY, 26, WITH SITUS INVERSUS; CILIARY DYSKINESIA, PRIMARY, 26, WITHOUT SITUS INVERSUS. Identifiers: Orphanet 244, MedGen C3809684, MONDO:0014211, OMIM 615500.
C21ORF59 & CFAP298-related disorders.

Allele frequency attached by ClinVar (database versions not stated): TOPMed 0.00014; ExAC 0.00018; gnomAD exomes 0.00018 and 0.00023; gnomAD 0.00021.

Submissions (6):

First Genomix Gene Laboratory, Genetic Diagnostics Department
Classification: Pathogenic for Primary ciliary dyskinesia 26. Last evaluated: 2026-01-02. Review status: criteria provided, single submitter. Criteria: ACMG Guidelines, 2015. Collection method: clinical testing. Allele origin: germline. Inheritance: Autosomal recessive inheritance. Affected: no. Observed: 1 variant allele.

Labcorp Genetics (formerly Invitae), Labcorp
Classification: Pathogenic. Last evaluated: 2025-11-05. Review status: criteria provided, single submitter. Criteria: Invitae Variant Classification Sherloc (09022015). Collection method: clinical testing. Allele origin: germline.
Comment: This sequence change creates a premature translational stop signal (p.Gln190Glyfs*26) in the CFAP298 gene. It is expected to result in an absent or disrupted protein product. Loss-of-function variants in CFAP298 are known to be pathogenic (PMID: 24094744). This variant is present in population databases (rs746361802, gnomAD 0.06%). This variant has not been reported in the literature in individuals affected with CFAP298-related conditions. ClinVar contains an entry for this variant (Variation ID: 525239). For these reasons, this variant has been classified as Pathogenic.

Blueprint Genetics
Classification: Likely pathogenic for C21ORF59 & CFAP298-related disorders. Last evaluated: 2024-11-01. Review status: criteria provided, single submitter. Criteria: ACMG Guidelines, 2015. Collection method: clinical testing. Allele origin: germline. Affected: yes. Observed: 5 variant alleles.

Victorian Clinical Genetics Services, Murdoch Childrens Research Institute
Classification: Pathogenic for Primary ciliary dyskinesia 26. Last evaluated: 2024-10-08. Review status: criteria provided, single submitter. Criteria: ACMG Guidelines, 2015. Collection method: clinical testing. Allele origin: germline. Inheritance: Autosomal recessive inheritance. Affected: yes.
Comment: Based on the classification scheme VCGS_Germline_v1.3.4, this variant is classified as Pathogenic. Following criteria are met: 0102 - Loss of function is a known mechanism of disease in this gene and is associated with primary ciliary dyskinesia 26 (MIM#615500) (PMIDs: 24094744, 26904945). (I) 0106 - This gene is associated with autosomal recessive disease. (I) 0201 - Variant is predicted to cause nonsense-mediated decay (NMD) and loss of protein (premature termination codon is located at least 54 nucleotides upstream of the final exon-exon junction). (SP) 0251 - This variant is heterozygous. (I) 0304 - Variant is present in gnomAD (v2) <0.01 for a recessive condition (53 heterozygotes, 0 homozygotes). (SP) 0703 - Other NMD predicted variants comparable to the one identified in this case have moderate previous evidence for pathogenicity. Three comparable NMD predicted variants have been reported as pathogenic in ClinVar and the literature (PMID:24094744). (SP) 0803 - This variant has limited previous evidence of pathogenicity in unrelated individuals. This variant has been reported three times in ClinVar as pathogenic. (SP) 0905 - No published segregation evidence has been identified for this variant. (I) 1007 - No published functional evidence has been identified for this variant. (I) 1208 - Inheritance information for this variant is not currently available in this individual. (I) Legend: (SP) - Supporting pathogenic, (I) - Information, (SB) - Supporting benign

Johns Hopkins Genomics, Johns Hopkins University
Classification: Pathogenic for Primary ciliary dyskinesia 26. Last evaluated: 2021-07-02. Review status: criteria provided, single submitter. Criteria: ACMG Guidelines, 2015. Collection method: clinical testing. Allele origin: germline.
Comment: CFAP298 c.557_566dup (rs746361802) is rare (<0.1%) in a large population dataset (gnomAD: 53/282824 total alleles; 0.019%; no homozygotes) and has been reported in ClinVar (Variation ID: 525239). It has not been reported in the literature, to our knowledge. This frameshift variant results in a premature stop codon in exon 5 of 7 likely leading to nonsense-mediated decay and lack of protein production. We consider CFAP298 c.557_566dup to be pathogenic.

Biology Pathology Center, Lille University Hospital
Classification: Pathogenic for Primary ciliary dyskinesia 26. Review status: criteria provided, single submitter. Criteria: ACMG Guidelines, 2015. Collection method: clinical testing. Allele origin: germline. Inheritance: Autosomal recessive inheritance. Affected: yes. Observed: 1 variant allele.

Literature cited by the submitters: PubMed 24094744 (cited by Labcorp Genetics (formerly Invitae), Labcorp and Victorian Clinical Genetics Services, Murdoch Childrens Research Institute); PubMed 26904945 (cited by Victorian Clinical Genetics Services, Murdoch Childrens Research Institute).

NM_021254.4(CFAP298):c.557_566dup (p.Gln190fs)

Genes: CFAP298 (cilia and flagella associated protein 298; minus strand), CFAP298-TCP10L (CFAP298-TCP10L readthrough; minus strand). Cytogenetic location: 21q22.11.
Variant type: Duplication.
Coding change: c.557_566dup on transcript NM_021254.4 (MANE Select); coding-DNA positions 557 to 566, 10 bases duplicated (AGGCAGAGGC; older notation c.557_566dupAGGCAGAGGC).
Protein change: p.Gln190fs; shifts the reading frame from glutamine 190.
Molecular consequence: frameshift variant. On other transcripts: non-coding transcript variant (2).
Genome position (GRCh38, 1-based): chr21:32,603,261-32,603,270, GCCTCTGCCT duplicated on the plus strand (AGGCAGAGGC on the coding strand, the reverse complement: CFAP298 is on the minus strand). VCF-style (leftmost placement, unchanged base first): chr21-32603260-C-CGCCTCTGCCT. GRCh37 (hg19) VCF-style: chr21-33975570-C-CGCCTCTGCCT.
Other names: c.557_566dup, p.Gln190fs (NM_001350338.2, NM_001350335.2, NM_001350336.2 and 1 more transcripts); c.260_269dup, p.Gln91fs (NM_001350334.2); c.557_566dupAGGCAGAGGC (NM_021254.3); c.557_566dup (NM_021254.2); short protein forms Q91fs, Q190fs.
Identifiers: ClinVar variation 525239 (VCV000525239.14), dbSNP rs746361802, ClinGen allele CA10002807.